The following is an entry in ClinVar:

NM_001243133.2(NLRP3):c.842C>T (p.Pro281Leu)

Gene: NLRP3 (NLR family pyrin domain containing 3; plus strand). Cytogenetic location: 1q44.
Variant type: single nucleotide variant.
Coding change: c.842C>T on transcript NM_001243133.2 (MANE Select); coding-DNA position 842, C replaced by T.
Protein change: p.Pro281Leu; replaces proline 281 with leucine.
Molecular consequence: missense variant.
Genome position (GRCh38, 1-based): chr1:247,424,291, C>T. VCF-style: chr1-247424291-C-T. GRCh37 (hg19) VCF-style: chr1-247587593-C-T.
Other names: c.842C>T, p.Pro281Leu (NM_001079821.3, NM_001127461.3, NM_001127462.3 and 1 more transcripts); c.848C>T, p.Pro283Leu (NM_004895.5); short protein forms P281L, P283L.
Identifiers: ClinVar variation 2789044 (VCV002789044.3), dbSNP rs1558190529, ClinGen allele CA345555551.

ClinVar aggregate classification (germline): Uncertain significance (1 of 4 stars; one submission).

Conditions:
Cryopyrin associated periodic syndrome (CAPS). Identifiers: Orphanet 208650, MedGen C2316212, MONDO:0016168.

Allele frequency attached by ClinVar (database versions not stated): gnomAD exomes 0.00002; TOPMed 0.00002.
gnomAD v4.1: 30 of 1,614,062 alleles (0.0019%); highest among the groups gnomAD compares: Non-Finnish European, 0.0024%; no homozygotes.

Submission:

Labcorp Genetics (formerly Invitae), Labcorp
Classification: Uncertain significance for Cryopyrin associated periodic syndrome. Last evaluated: 2026-02-02. Review status: criteria provided, single submitter. Criteria: Invitae Variant Classification Sherloc (09022015). Collection method: clinical testing. Allele origin: germline.
Comment: This sequence change replaces proline, which is neutral and non-polar, with leucine, which is neutral and non-polar, at codon 283 of the NLRP3 protein (p.Pro283Leu). This variant is not present in population databases (gnomAD no frequency). This variant has not been reported in the literature in individuals affected with NLRP3-related conditions. ClinVar contains an entry for this variant (Variation ID: 2789044). Invitae Evidence Modeling of protein sequence and biophysical properties (such as structural, functional, and spatial information, amino acid conservation, physicochemical variation, residue mobility, and thermodynamic stability) has been performed for this missense variant. However, the output from this modeling did not meet the statistical confidence thresholds required to predict the impact of this variant on NLRP3 protein function. In summary, the available evidence is currently insufficient to determine the role of this variant in disease. Therefore, it has been classified as a Variant of Uncertain Significance.